The following is an entry in ClinVar:

ClinVar aggregate classification (germline): Uncertain significance. Review status: criteria provided, multiple submitters, no conflicts (2 of 4 stars). 2 submissions from 2 submitters: Uncertain significance (2). Last evaluated 2022-04-22.

Conditions:
Stromme syndrome (STROMS). Also called: Ciliary dyskinesia, primary, 31; Strømme Syndrome; APPLE PEEL SYNDROME WITH MICROCEPHALY AND OCULAR ANOMALIES. Identifiers: Orphanet 444069, Orphanet 506307, MedGen C1855705, MONDO:0009477, OMIM 243605.

Allele frequency attached by ClinVar (database versions not stated): TOPMed 0.00001; gnomAD exomes below 0.00001.
gnomAD v4.1: 3 of 1,614,162 alleles (0.00019%); highest among the groups gnomAD compares: Middle Eastern, 0.016%; no homozygotes.

Submissions (2):

Fulgent Genetics
Classification: Uncertain significance for Stromme syndrome. Last evaluated: 2022-04-22. Review status: criteria provided, single submitter. Criteria: ACMG Guidelines, 2015. Collection method: clinical testing. Allele origin: unknown.

GeneDx
Classification: Uncertain significance. Last evaluated: 2016-11-29. Review status: criteria provided, single submitter. Criteria: GeneDx Variant Classification (06012015). Collection method: clinical testing. Allele origin: germline. Affected: yes.
Comment: The T729I variant in the CENPF gene has not been reported previously as a pathogenic variant, nor as a benign variant, to our knowledge. The T729I variant was not observed in approximately 6500 individuals of European and African American ancestry in the NHLBI Exome Sequencing Project, indicating it is not a common benign variant in these populations. The T729I variant is a non-conservative amino acid substitution, which is likely to impact secondary protein structure as these residues differ in polarity, charge, size and/or other properties. This substitution occurs at a position that is conserved in mammals. In silico analysis is inconsistent in its predictions as to whether or not the variant is damaging to the protein structure/function. We interpret T729I as a variant of uncertain significance

NM_016343.4(CENPF):c.2186C>T (p.Thr729Ile)

Gene: CENPF (centromere protein F; plus strand). Cytogenetic location: 1q41.
Variant type: single nucleotide variant.
Coding change: c.2186C>T on transcript NM_016343.4 (MANE Select); coding-DNA position 2186, C replaced by T.
Protein change: p.Thr729Ile; replaces threonine 729 with isoleucine.
Molecular consequence: missense variant.
Genome position (GRCh38, 1-based): chr1:214,640,524, C>T. VCF-style: chr1-214640524-C-T. GRCh37 (hg19) VCF-style: chr1-214813867-C-T.
Other names: short protein forms T729I.
Identifiers: ClinVar variation 372665 (VCV000372665.2), dbSNP rs1028498197, ClinGen allele CA16042349.